The following is an entry in ClinVar:

ClinVar aggregate classification (germline): Uncertain significance. Review status: criteria provided, multiple submitters, no conflicts (2 of 4 stars). 2 submissions from 2 submitters: Uncertain significance (2). Last evaluated 2022-08-16.

Conditions:
Aplastic anemia. Identifiers: Orphanet 182040, Orphanet 88, MedGen C0002874, MONDO:0015909, OMIM 609135, HP:0001915.
Familial hemophagocytic lymphohistiocytosis 2 (FHL2). Also called: PRF1-Related Familial Hemophagocytic Lymphohistiocytosis (PRF1-fHLH). Identifiers: Orphanet 540, MedGen C1863727, MONDO:0011337, OMIM 603553.

Allele frequency attached by ClinVar (database versions not stated): gnomAD exomes below 0.00001 and 0.00001; ExAC 0.00001; gnomAD 0.00006; TOPMed 0.00007; 1000 Genomes Project 30x 0.00016; 1000 Genomes Project 0.00020.
gnomAD v4.1: 15 of 1,613,878 alleles (0.00093%); highest among the groups gnomAD compares: African/African-American, 0.015%; no homozygotes.

Submissions (2):

Labcorp Genetics (formerly Invitae), Labcorp
Classification: Uncertain significance for Familial hemophagocytic lymphohistiocytosis 2. Last evaluated: 2022-08-16. Review status: criteria provided, single submitter. Criteria: Invitae Variant Classification Sherloc (09022015). Collection method: clinical testing. Allele origin: germline.
Comment: In summary, the available evidence is currently insufficient to determine the role of this variant in disease. Therefore, it has been classified as a Variant of Uncertain Significance. Algorithms developed to predict the effect of missense changes on protein structure and function (SIFT, PolyPhen-2, Align-GVGD) all suggest that this variant is likely to be tolerated. ClinVar contains an entry for this variant (Variation ID: 1033280). This variant has not been reported in the literature in individuals affected with PRF1-related conditions. This variant is present in population databases (rs550799905, gnomAD 0.01%). This sequence change replaces proline, which is neutral and non-polar, with alanine, which is neutral and non-polar, at codon 546 of the PRF1 protein (p.Pro546Ala).

Baylor Genetics
Classification: Uncertain significance for Aplastic anemia. Last evaluated: 2018-11-21. Review status: criteria provided, single submitter. Criteria: ACMG Guidelines, 2015. Collection method: clinical testing. Allele origin: maternal. Affected: yes.
Comment: This variant was determined to be of uncertain significance according to ACMG Guidelines, 2015 [PMID:25741868].

NM_001083116.3(PRF1):c.1636C>G (p.Pro546Ala)

Gene: PRF1 (perforin 1; minus strand). Cytogenetic location: 10q22.1.
Variant type: single nucleotide variant.
Coding change: c.1636C>G on transcript NM_001083116.3 (MANE Select); coding-DNA position 1636, C replaced by G.
Protein change: p.Pro546Ala; replaces proline 546 with alanine.
Molecular consequence: missense variant.
Genome position (GRCh38, 1-based): chr10:70,598,085, G>C on the plus strand (C>G on the coding strand, the complement: PRF1 is on the minus strand). VCF-style: chr10-70598085-G-C. GRCh37 (hg19) VCF-style: chr10-72357841-G-C.
Other names: c.1636C>G, p.Pro546Ala (NM_005041.6); short protein forms P546A.
Identifiers: ClinVar variation 1033280 (VCV001033280.7), dbSNP rs550799905, ClinGen allele CA5538716.
Genomic context (GRCh38, chr10:70,598,085, plus strand): 5'-ATACTGGTCCTTTCCAAGCTCACTGTTCTCACCACACGGCCCCACTCCGGTTTCCTGGAG[G>C]CTCCCCCAGAAGCATTTGGGGGACATAGTCCAGGCAGGTGCCTCCTCCCAGGTGGGGCAA-3'
Protein context (NP_001076585.1, residues 536-555): DYVPQMLLGE[Pro546Ala]PGNRSGAVW